The following is an entry in ClinVar:

NM_005559.4(LAMA1):c.2935del (p.Arg979fs)

Gene: LAMA1 (laminin subunit alpha 1; minus strand). Cytogenetic location: 18p11.31.
Variant type: Deletion.
Coding change: c.2935del on transcript NM_005559.4 (MANE Select); coding-DNA position 2935, one base deleted (A; older notation c.2935delA).
Protein change: p.Arg979fs; shifts the reading frame from arginine 979.
Molecular consequence: frameshift variant.
Genome position (GRCh38, 1-based): chr18:7,016,545, T deleted on the plus strand (A on the coding strand, the reverse complement: LAMA1 is on the minus strand); the first of 4 consecutive T bases (chr18:7,016,545-7,016,548); deleting any one gives the same sequence. VCF-style (leftmost placement, unchanged base first): chr18-7016544-CT-C. GRCh37 (hg19) VCF-style: chr18-7016543-CT-C.
Other names: short protein forms R979fs.
Identifiers: ClinVar variation 808351 (VCV000808351.47), dbSNP rs758601967, ClinGen allele CA8882461.

ClinVar aggregate classification (germline): Pathogenic/Likely pathogenic. Review status: criteria provided, multiple submitters, no conflicts (2 of 4 stars). 5 submissions from 5 submitters: Pathogenic (4); Likely pathogenic (1). Last evaluated 2025-06-03.

Conditions:
LAMA1-related disorder. Also called: LAMA1-related disorders; LAMA1-related condition.
Ataxia - intellectual disability - oculomotor apraxia - cerebellar cysts syndrome. Also called: Poretti-Boltshauser syndrome. Identifiers: Orphanet 370022, MedGen C4014821, MONDO:0014419, OMIM 615960.

Submissions (5):

Labcorp Genetics (formerly Invitae), Labcorp
Classification: Pathogenic. Last evaluated: 2025-06-03. Review status: criteria provided, single submitter. Criteria: Invitae Variant Classification Sherloc (09022015). Collection method: clinical testing. Allele origin: germline.
Comment: This sequence change creates a premature translational stop signal (p.Arg979Glyfs*45) in the LAMA1 gene. It is expected to result in an absent or disrupted protein product. Loss-of-function variants in LAMA1 are known to be pathogenic (PMID: 25105227, 26932191). This variant is present in population databases (rs758601967, gnomAD 0.003%). This premature translational stop signal has been observed in individuals with Poretti-Boltshauser syndrome (PMID: 26932191). ClinVar contains an entry for this variant (Variation ID: 808351). For these reasons, this variant has been classified as Pathogenic.

Blueprint Genetics
Classification: Pathogenic for LAMA1-related disorders. Last evaluated: 2024-05-09. Review status: criteria provided, single submitter. Criteria: ACMG Guidelines, 2015. Collection method: clinical testing. Allele origin: germline. Affected: yes. Observed: 5 variant alleles.

CeGaT Center for Human Genetics Tuebingen
Classification: Pathogenic. Last evaluated: 2022-11-01. Review status: criteria provided, single submitter. Criteria: CeGaT Center For Human Genetics Tuebingen Variant Classification Criteria Version 2. Collection method: clinical testing. Allele origin: germline. Affected: yes. Observed: 6 variant alleles.

Centre of Medical Genetics, University Hospital Muenster
Classification: Likely pathogenic for Ataxia - intellectual disability - oculomotor apraxia - cerebellar cysts syndrome. Last evaluated: 2022-03-14. Review status: criteria provided, single submitter. Criteria: ACMG Guidelines, 2015. Collection method: clinical testing. Allele origin: germline. Affected: yes. Observed: 1 variant allele.
Comment: ACMG categories: PVS1,PM2

Institute of Medical Genetics and Applied Genomics, University Hospital Tübingen
Classification: Pathogenic. Last evaluated: 2020-10-23. Review status: criteria provided, single submitter. Criteria: ACMG Guidelines, 2015. Collection method: clinical testing. Allele origin: germline. Inheritance: Autosomal recessive inheritance. Affected: yes.

Literature cited by the submitters: PubMed 25105227 (cited by Labcorp Genetics (formerly Invitae), Labcorp); PubMed 26932191 (cited by Labcorp Genetics (formerly Invitae), Labcorp).